The following is an entry in ClinVar:

ClinVar aggregate classification (germline): Uncertain significance (1 of 4 stars; one submission).

Conditions:
Cardiovascular phenotype. Identifiers: MedGen CN230736.
Hereditary cancer-predisposing syndrome. Also called: Neoplastic Syndromes, Hereditary; Tumor predisposition; Hereditary Cancer Syndrome; Hereditary neoplastic syndrome. Identifiers: Orphanet 140162, MedGen C0027672, MeSH D009386, MONDO:0015356.

Submission:

Ambry Genetics
Classification: Uncertain significance for Cardiovascular phenotype; Hereditary cancer-predisposing syndrome. Last evaluated: 2026-05-16. Review status: criteria provided, single submitter. Criteria: Ambry Variant Classification Scheme 2023. Collection method: clinical testing. Allele origin: germline.
Comment: The p.G711W variant (also known as c.2131G>T), located in coding exon 18 of the LZTR1 gene, results from a G to T substitution at nucleotide position 2131. The glycine at codon 711 is replaced by tryptophan, an amino acid with highly dissimilar properties. This amino acid position is conserved. In addition, this alteration is predicted to be deleterious by in silico analysis. Based on the available evidence, the clinical significance of this variant remains unclear.

NM_006767.4(LZTR1):c.2131G>T (p.Gly711Trp)

Gene: LZTR1 (leucine zipper like post translational regulator 1; plus strand). Cytogenetic location: 22q11.21.
Variant type: single nucleotide variant.
Coding change: c.2131G>T on transcript NM_006767.4 (MANE Select); coding-DNA position 2131, G replaced by T.
Protein change: p.Gly711Trp; replaces glycine 711 with tryptophan.
Molecular consequence: missense variant.
Genome position (GRCh38, 1-based): chr22:20,996,024, G>T. VCF-style: chr22-20996024-G-T. GRCh37 (hg19) VCF-style: chr22-21350313-G-T.
Other names: short protein forms G711W.
Identifiers: ClinVar variation 4859411 (VCV004859411.1).